The following is an entry in ClinVar:

ClinVar aggregate classification (germline): Likely benign. Review status: criteria provided, multiple submitters, no conflicts (2 of 4 stars). 4 submissions from 4 submitters: Likely benign (4). Last evaluated 2026-07-01.

Conditions:
Inborn genetic diseases. Identifiers: MedGen C0950123, MeSH D030342.
Charcot-Marie-Tooth disease axonal type 2O. Also called: CHARCOT-MARIE-TOOTH NEUROPATHY, AXONAL, TYPE 2O; CHARCOT-MARIE-TOOTH DISEASE, AXONAL, AUTOSOMAL DOMINANT, TYPE 2O; Charcot-Marie-Tooth disease, axonal, type 20; Charcot-Marie-Tooth Neuropathy Type 2O. Identifiers: Orphanet 284232, MedGen C3280220, MONDO:0013644, OMIM 614228.

Allele frequency attached by ClinVar (database versions not stated): gnomAD 0.00009 and 0.00010; gnomAD exomes 0.00015 and 0.00022; TOPMed 0.00017; ExAC 0.00019; ESP Exome Variant Server 0.00023.
gnomAD v4.1: 339 of 1,613,984 alleles (0.021%); highest among the groups gnomAD compares: Non-Finnish European, 0.026%; no homozygotes.

Submissions (4):

CeGaT Center for Human Genetics Tuebingen
Classification: Likely benign. Last evaluated: 2026-07-01. Review status: criteria provided, single submitter. Criteria: CeGaT Center For Human Genetics Tuebingen Variant Classification Criteria Version 2. Collection method: clinical testing. Allele origin: germline. Affected: yes. Observed: 3 variant alleles.
Comment: DYNC1H1: BS2

Labcorp Genetics (formerly Invitae), Labcorp
Classification: Likely benign for Charcot-Marie-Tooth disease axonal type 2O. Last evaluated: 2025-12-03. Review status: criteria provided, single submitter. Criteria: Invitae Variant Classification Sherloc (09022015). Collection method: clinical testing. Allele origin: germline.

Ambry Genetics
Classification: Likely benign for Inborn genetic diseases. Last evaluated: 2021-09-01. Review status: criteria provided, single submitter. Criteria: Ambry Variant Classification Scheme 2023. Collection method: clinical testing. Allele origin: germline.

GeneDx
Classification: Likely benign. Last evaluated: 2020-10-01. Review status: criteria provided, single submitter. Criteria: GeneDx Variant Classification Process June 2021. Collection method: clinical testing. Allele origin: germline. Affected: yes.
Comment: Has not been previously published as pathogenic or benign to our knowledge

NM_001376.5(DYNC1H1):c.13315G>A (p.Glu4439Lys)

Gene: DYNC1H1 (dynein cytoplasmic 1 heavy chain 1; plus strand). Cytogenetic location: 14q32.31.
Variant type: single nucleotide variant.
Coding change: c.13315G>A on transcript NM_001376.5 (MANE Select); coding-DNA position 13315, G replaced by A.
Protein change: p.Glu4439Lys; replaces glutamic acid 4439 with lysine.
Molecular consequence: missense variant.
Genome position (GRCh38, 1-based): chr14:102,048,612, G>A. VCF-style: chr14-102048612-G-A. GRCh37 (hg19) VCF-style: chr14-102514949-G-A.
Other names: short protein forms E4439K.
Identifiers: ClinVar variation 245797 (VCV000245797.39), dbSNP rs142883042, ClinGen allele CA7354206.